The following is an entry in ClinVar:

NM_006734.4(HIVEP2):c.2248C>A (p.Leu750Ile)

Gene: HIVEP2 (HIVEP zinc finger 2; minus strand). Cytogenetic location: 6q24.2.
Variant type: single nucleotide variant.
Coding change: c.2248C>A on transcript NM_006734.4 (MANE Select); coding-DNA position 2248, C replaced by A.
Protein change: p.Leu750Ile; replaces leucine 750 with isoleucine.
Molecular consequence: missense variant.
Genome position (GRCh38, 1-based): chr6:142,772,491, G>T on the plus strand (C>A on the coding strand, the complement: HIVEP2 is on the minus strand). VCF-style: chr6-142772491-G-T. GRCh37 (hg19) VCF-style: chr6-143093628-G-T.
Other names: c.2248C>A (NM_006734.3); short protein forms L750I.
Identifiers: ClinVar variation 2072884 (VCV002072884.14), dbSNP rs567692069, ClinGen allele CA4028456.

ClinVar aggregate classification (germline): Conflicting classifications of pathogenicity. Review status: criteria provided, conflicting classifications (1 of 4 stars). 5 submissions from 5 submitters: Uncertain significance (3); Likely benign (2). Last evaluated 2026-04-12.

Conditions:
HIVEP2-related disorder. Also called: HIVEP2-related condition.
Inborn genetic diseases. Identifiers: MedGen C0950123, MeSH D030342.

Allele frequency attached by ClinVar (database versions not stated): gnomAD 0.00002; TOPMed 0.00005; 1000 Genomes Project 0.00020; 1000 Genomes Project 30x 0.00031.
gnomAD v4.1: 7 of 1,614,124 alleles (0.00043%); highest among the groups gnomAD compares: Admixed American, 0.005%; no homozygotes.

Submissions (5):

PreventionGenetics, part of Exact Sciences
Classification: Uncertain significance for HIVEP2-related condition. Last evaluated: 2026-04-12. Review status: criteria provided, single submitter. Criteria: ACMG Guidelines, 2015. Collection method: clinical testing. Allele origin: germline.
Comment: The HIVEP2 c.2248C>A variant is predicted to result in the amino acid substitution p.Leu750Ile. To our knowledge, this variant has not been reported in the literature. This variant is reported in 0.0029% of alleles in individuals of Latino descent in gnomAD. At this time, the clinical significance of this variant is uncertain due to the absence of conclusive functional and genetic evidence.

Labcorp Genetics (formerly Invitae), Labcorp
Classification: Likely benign. Last evaluated: 2026-01-26. Review status: criteria provided, single submitter. Criteria: Invitae Variant Classification Sherloc (09022015). Collection method: clinical testing. Allele origin: germline.

CeGaT Center for Human Genetics Tuebingen
Classification: Likely benign. Last evaluated: 2025-11-01. Review status: criteria provided, single submitter. Criteria: CeGaT Center For Human Genetics Tuebingen Variant Classification Criteria Version 2. Collection method: clinical testing. Allele origin: germline. Affected: yes. Observed: 1 variant allele.
Comment: HIVEP2: BP4

Women's Health and Genetics/Laboratory Corporation of America, LabCorp
Classification: Uncertain significance. Last evaluated: 2025-04-09. Review status: criteria provided, single submitter. Criteria: LabCorp Variant Classification Summary - May 2015. Collection method: clinical testing. Allele origin: germline.
Comment: Variant summary: HIVEP2 c.2248C>A (p.Leu750Ile) results in a conservative amino acid change in the encoded protein sequence. Five of five in-silico tools predict a benign effect of the variant on protein function. The variant allele was found at a frequency of 4e-06 in 249456 control chromosomes. The available data on variant occurrences in the general population are insufficient to allow any conclusion about variant significance. To our knowledge, no occurrence of c.2248C>A in individuals affected with Intellectual Disability, Autosomal Dominant 43 and no experimental evidence demonstrating its impact on protein function have been reported. ClinVar contains an entry for this variant (Variation ID: 2072884). Based on the evidence outlined above, the variant was classified as uncertain significance.

Ambry Genetics
Classification: Uncertain significance for Inborn genetic diseases. Last evaluated: 2023-06-06. Review status: criteria provided, single submitter. Criteria: Ambry Variant Classification Scheme 2023. Collection method: clinical testing. Allele origin: germline.